The following is an entry in ClinVar:

NM_001144967.3(NEDD4L):c.1298A>G (p.Asn433Ser)

Gene: NEDD4L (NEDD4 like E3 ubiquitin protein ligase; plus strand). Cytogenetic location: 18q21.31.
Variant type: single nucleotide variant.
Coding change: c.1298A>G on transcript NM_001144967.3 (MANE Select); coding-DNA position 1298, A replaced by G.
Protein change: p.Asn433Ser; replaces asparagine 433 with serine.
Molecular consequence: missense variant.
Genome position (GRCh38, 1-based): chr18:58,341,718, A>G. VCF-style: chr18-58341718-A-G. GRCh37 (hg19) VCF-style: chr18-56008950-A-G.
Other names: c.935A>G, p.Asn312Ser (NM_001144964.1, NM_001144965.2, NM_001144966.3); c.1274A>G, p.Asn425Ser (NM_001144968.2); c.1214A>G, p.Asn405Ser (NM_001144969.2); c.875A>G, p.Asn292Ser (NM_001144970.3, NM_001144971.2); c.1106A>G, p.Asn369Ser (NM_001243960.2); c.1238A>G, p.Asn413Ser (NM_015277.6); short protein forms N292S, N405S, N413S, N425S, N433S, N312S, N369S.
Identifiers: ClinVar variation 644887 (VCV000644887.8), dbSNP rs1159067435, ClinGen allele CA402562549.
Genomic context (GRCh38, chr18:58,341,718, plus strand): 5'-TGTTTTTGCCTCCAAAATAGCTTGCAGAAGATGGTGCGTCCGGATCAGCCACAAACAGTA[A>G]CAACCATCTAATCGAGCCTCAGATCCGCCGGCCTCGTAGCCTCAGCTCGCCAACAGTAAC-3'
Protein context (NP_001138439.1, residues 423-443): DGASGSATNS[Asn433Ser]NHLIEPQIRR

ClinVar aggregate classification (germline): Uncertain significance (1 of 4 stars; one submission).

Allele frequency attached by ClinVar (database versions not stated): gnomAD exomes below 0.00001; gnomAD 0.00001; TOPMed 0.00001.
gnomAD v4.1: 2 of 1,613,770 alleles (0.00012%); highest among the groups gnomAD compares: African/African-American, 0.0027%; no homozygotes.

Submission:

Labcorp Genetics (formerly Invitae), Labcorp
Classification: Uncertain significance. Last evaluated: 2023-08-24. Review status: criteria provided, single submitter. Criteria: Invitae Variant Classification Sherloc (09022015). Collection method: clinical testing. Allele origin: germline.
Comment: This variant has not been reported in the literature in individuals affected with NEDD4L-related conditions. In summary, the available evidence is currently insufficient to determine the role of this variant in disease. Therefore, it has been classified as a Variant of Uncertain Significance. Advanced modeling of protein sequence and biophysical properties (such as structural, functional, and spatial information, amino acid conservation, physicochemical variation, residue mobility, and thermodynamic stability) performed at Invitae indicates that this missense variant is not expected to disrupt NEDD4L protein function. ClinVar contains an entry for this variant (Variation ID: 644887). This variant is present in population databases (no rsID available, gnomAD 0.007%). This sequence change replaces asparagine, which is neutral and polar, with serine, which is neutral and polar, at codon 413 of the NEDD4L protein (p.Asn413Ser).